The following is an entry in ClinVar:

ClinVar aggregate classification (germline): Uncertain significance (1 of 4 stars; one submission).

Conditions:
Joubert syndrome. Also called: CEREBELLOPARENCHYMAL DISORDER IV; JOUBERT-BOLTSHAUSER SYNDROME; Familial aplasia of the vermis. Identifiers: Orphanet 475, MedGen C5979921, MONDO:0018772.
Meckel-Gruber syndrome. Also called: DYSENCEPHALIA SPLANCHNOCYSTICA; GRUBER SYNDROME; Dysencephalia splachnocystica. Identifiers: Orphanet 564, MedGen C0265215, MONDO:0018921.

Allele frequency attached by ClinVar (database versions not stated): gnomAD 0.00001; TOPMed 0.00001.
gnomAD v4.1: 1 of 1,611,296 alleles (0.000062%); highest among the groups gnomAD compares: African/African-American, 0.0013%; no homozygotes.

Submission:

Labcorp Genetics (formerly Invitae), Labcorp
Classification: Uncertain significance for Joubert syndrome; Meckel-Gruber syndrome. Last evaluated: 2023-10-13. Review status: criteria provided, single submitter. Criteria: Invitae Variant Classification Sherloc (09022015). Collection method: clinical testing. Allele origin: germline.
Comment: This sequence change replaces alanine, which is neutral and non-polar, with glycine, which is neutral and non-polar, at codon 63 of the TCTN2 protein (p.Ala63Gly). This variant is not present in population databases (gnomAD no frequency). This variant has not been reported in the literature in individuals affected with TCTN2-related conditions. ClinVar contains an entry for this variant (Variation ID: 2088149). An algorithm developed to predict the effect of missense changes on protein structure and function (PolyPhen-2) suggests that this variant is likely to be tolerated. Algorithms developed to predict the effect of sequence changes on RNA splicing suggest that this variant may create or strengthen a splice site. In summary, the available evidence is currently insufficient to determine the role of this variant in disease. Therefore, it has been classified as a Variant of Uncertain Significance.

NM_024809.5(TCTN2):c.188C>G (p.Ala63Gly)

Gene: TCTN2 (tectonic family member 2; plus strand). Cytogenetic location: 12q24.31.
Variant type: single nucleotide variant.
Coding change: c.188C>G on transcript NM_024809.5 (MANE Select); coding-DNA position 188, C replaced by G.
Protein change: p.Ala63Gly; replaces alanine 63 with glycine.
Molecular consequence: missense variant.
Genome position (GRCh38, 1-based): chr12:123,671,612, C>G. VCF-style: chr12-123671612-C-G. GRCh37 (hg19) VCF-style: chr12-124156159-C-G.
Other names: c.188C>G, p.Ala63Gly (NM_001143850.3, NM_001410989.1); short protein forms A63G.
Identifiers: ClinVar variation 2088149 (VCV002088149.4), dbSNP rs1295315943, ClinGen allele CA387155170.